The following is an entry in ClinVar:

NM_001035.3(RYR2):c.10696_10703del (p.Lys3566fs)

Gene: RYR2 (ryanodine receptor 2; plus strand). Cytogenetic location: 1q43.
Variant type: Deletion.
Coding change: c.10696_10703del on transcript NM_001035.3 (MANE Select); coding-DNA positions 10696 to 10703, 8 bases deleted (AAACGTGT; older notation c.10696_10703delAAACGTGT).
Protein change: p.Lys3566fs; shifts the reading frame from lysine 3566.
Molecular consequence: frameshift variant.
Genome position (GRCh38, 1-based): chr1:237,726,279-237,726,286, AAACGTGT deleted; deleting any 8 consecutive bases within chr1:237,726,278-237,726,286 gives the same sequence; the c. name uses the placement nearest the transcript's 3' end. VCF-style (leftmost placement, unchanged base first): chr1-237726277-CTAAACGTG-C. GRCh37 (hg19) VCF-style: chr1-237889577-CTAAACGTG-C.
Other names: short protein forms K3566fs.
Identifiers: ClinVar variation 3073882 (VCV003073882.1), dbSNP rs2526984409, ClinGen allele CA2825000932.
Genomic context (GRCh38, chr1:237,726,277, plus strand): 5'-GGATAATAAATGTAGTTTTACTTTTTTAGCTAACATAACATTTTTATTTCTTTCAGAAGT[CTAAACGTG>C]TGGGTCGGAGACATTACTGTCTGGGAAGTACAGTGCTCAATGGCCTAGAGATTACTAATT-3'

ClinVar aggregate classification (germline): Uncertain significance (1 of 4 stars; one submission).

Conditions:
Catecholaminergic polymorphic ventricular tachycardia (CVPT). Also called: Catecholamine-induced polymorphic ventricular tachycardia. Identifiers: Orphanet 3286, MedGen C5574922, MONDO:0017990.

Submission:

All of Us Research Program, National Institutes of Health
Classification: Uncertain significance for Catecholaminergic polymorphic ventricular tachycardia. Last evaluated: 2023-11-30. Review status: criteria provided, single submitter. Criteria: ACMG Guidelines, 2015. Collection method: clinical testing. Allele origin: germline. Inheritance: Autosomal dominant inheritance. Observed: 1 variant allele, 1 heterozygote.
Comment: This study involves interpretation of variants in research participants for the purpose of population health screening. Participant phenotype was not available at the time of variant classification. Additional details can be found in publication PMID: 35346344, PMCID: PMC8962531